The following is an entry in ClinVar:

ClinVar aggregate classification (germline): Likely benign. Review status: criteria provided, multiple submitters, no conflicts (2 of 4 stars). 6 submissions from 6 submitters: Likely benign (5). 1 of the submissions does not count toward it. Last evaluated 2026-01-20.

Conditions:
PSTPIP1-related disorder. Also called: PSTPIP1-related condition.
Pyogenic arthritis-pyoderma gangrenosum-acne syndrome (PAPA). Also called: PAPA SYNDROME; FAMILIAL RECURRENT ARTHRITIS. Identifiers: Orphanet 69126, MedGen C1858361, MONDO:0011462, OMIM 604416.

Allele frequency attached by ClinVar (database versions not stated): TOPMed 0.00002.
gnomAD v4.1: 166 of 1,612,584 alleles (0.01%); highest among the groups gnomAD compares: Non-Finnish European, 0.013%; no homozygotes.

Submissions (6):

Labcorp Genetics (formerly Invitae), Labcorp
Classification: Likely benign for Pyogenic arthritis-pyoderma gangrenosum-acne syndrome. Last evaluated: 2026-01-20. Review status: criteria provided, single submitter. Criteria: Invitae Variant Classification Sherloc (09022015). Collection method: clinical testing. Allele origin: germline.

Women's Health and Genetics/Laboratory Corporation of America, LabCorp
Classification: Likely benign. Last evaluated: 2026-01-06. Review status: criteria provided, single submitter. Criteria: LabCorp Variant Classification Summary - May 2015. Collection method: clinical testing. Allele origin: germline.

Blueprint Genetics
Classification: Likely benign. Last evaluated: 2023-10-23. Review status: criteria provided, single submitter. Criteria: ACMG Guidelines, 2015. Collection method: clinical testing. Allele origin: germline.

Illumina Laboratory Services, Illumina
Classification: Likely benign for Pyogenic arthritis-pyoderma gangrenosum-acne syndrome. Last evaluated: 2018-01-12. Review status: criteria provided, single submitter. Criteria: ICSL Variant Classification Criteria 13 December 2019. Collection method: clinical testing. Allele origin: germline.
Comment: This variant was observed in the ICSL laboratory as part of a predisposition screen in an ostensibly healthy population. It had not been previously curated by ICSL or reported in the Human Gene Mutation Database (HGMD: prior to June 1st, 2018), and was therefore a candidate for classification through an automated scoring system. Utilizing variant allele frequency, disease prevalence and penetrance estimates, and inheritance mode, an automated score was calculated to assess if this variant is too frequent to cause the disease. Based on the score and internal cut-off values, a variant classified as likely benign is not then subjected to further curation. The score for this variant resulted in a classification of likely benign for this disease.

GeneDx
Classification: Likely benign. Last evaluated: 2017-03-08. Review status: criteria provided, single submitter. Criteria: GeneDx Variant Classification (06012015). Collection method: clinical testing. Allele origin: germline. Affected: yes.
Comment: This variant is considered likely benign or benign based on one or more of the following criteria: it is a conservative change, it occurs at a poorly conserved position in the protein, it is predicted to be benign by multiple in silico algorithms, and/or has population frequency not consistent with disease.

PreventionGenetics, part of Exact Sciences
Classification: Likely benign for PSTPIP1-related condition. Last evaluated: 2020-03-19. Review status: no assertion criteria provided. Collection method: clinical testing. Allele origin: germline. Not counted in ClinVar's aggregate classification.
Comment: This variant is classified as likely benign based on ACMG/AMP sequence variant interpretation guidelines (Richards et al. 2015 PMID: 25741868, with internal and published modifications).

NM_003978.5(PSTPIP1):c.657A>G (p.Gln219=)

Gene: PSTPIP1 (proline-serine-threonine phosphatase interacting protein 1; plus strand). Cytogenetic location: 15q24.3.
Variant type: single nucleotide variant.
Coding change: c.657A>G on transcript NM_003978.5 (MANE Select); coding-DNA position 657, A replaced by G.
Protein change: p.Gln219=; no amino-acid change (glutamine 219 retained).
Molecular consequence: synonymous variant. On other transcripts: non-coding transcript variant (1).
Genome position (GRCh38, 1-based): chr15:77,031,194, A>G. VCF-style: chr15-77031194-A-G. GRCh37 (hg19) VCF-style: chr15-77323535-A-G.
Other names: c.657A>G (NM_003978.4); c.657A>G, p.Gln219= (NM_001321135.2); c.630A>G, p.Gln210= (NM_001321136.2); c.852A>G, p.Gln284= (NM_001321137.1).
Identifiers: ClinVar variation 507898 (VCV000507898.20), dbSNP rs139362350, ClinGen allele CA7675933.